The following is an entry in ClinVar:

NM_000059.4(BRCA2):c.8424T>C (p.Leu2808=)

Gene: BRCA2 (BRCA2 DNA repair associated; plus strand). Cytogenetic location: 13q13.1.
Variant type: single nucleotide variant.
Coding change: c.8424T>C on transcript NM_000059.4 (MANE Select); coding-DNA position 8424, T replaced by C.
Protein change: p.Leu2808=; no amino-acid change (leucine 2808 retained).
Molecular consequence: synonymous variant.
Genome position (GRCh38, 1-based): chr13:32,370,494, T>C. VCF-style: chr13-32370494-T-C. GRCh37 (hg19) VCF-style: chr13-32944631-T-C.
Identifiers: ClinVar variation 230918 (VCV000230918.7), dbSNP rs876658841, ClinGen allele CA10579784.

ClinVar aggregate classification (germline): Likely benign. Review status: reviewed by expert panel (3 of 4 stars). 2 submissions from 2 submitters: Likely benign (1). 1 of the submissions does not count toward it. Last evaluated 2017-06-29.

Conditions:
Hereditary cancer-predisposing syndrome. Also called: Hereditary Cancer Syndrome; Neoplastic Syndromes, Hereditary; Tumor predisposition; Hereditary neoplastic syndrome. Identifiers: Orphanet 140162, MedGen C0027672, MeSH D009386, MONDO:0015356.
Breast-ovarian cancer, familial, susceptibility to, 2 (BROVCA2). Also called: BRCA2 Hereditary Breast and Ovarian Cancer. Identifiers: Orphanet 145, MedGen C2675520, MONDO:0012933, OMIM 612555. Disease mechanism: loss of function.

Allele frequency attached by ClinVar (database versions not stated): gnomAD exomes below 0.00001.
gnomAD v4.1: 1 of 1,613,824 alleles (0.000062%); highest among the groups gnomAD compares: Non-Finnish European, 0.000085%; no homozygotes.

Submissions (2):

Evidence-based Network for the Interpretation of Germline Mutant Alleles (ENIGMA)
Classification: Likely benign for Breast-ovarian cancer, familial, susceptibility to, 2. Last evaluated: 2017-06-29. Review status: reviewed by expert panel. Criteria: ENIGMA BRCA1/2 Classification Criteria (2017-06-29). Collection method: curation. Allele origin: germline.
Comment: Synonymous substitution variant, with low bioinformatic likelihood to result in a splicing aberration (Splicing prior probability 0.02).

Ambry Genetics
Classification: Likely benign for Hereditary cancer-predisposing syndrome. Last evaluated: 2015-03-11. Review status: criteria provided, single submitter. Criteria: Ambry Variant Classification Scheme 2023. Collection method: clinical testing. Allele origin: germline. Not counted in ClinVar's aggregate classification.